The following is an entry in ClinVar:

ClinVar aggregate classification (germline): Uncertain significance. Review status: criteria provided, multiple submitters, no conflicts (2 of 4 stars). 2 submissions from 2 submitters: Uncertain significance (2). Last evaluated 2025-03-01.

Conditions:
Netherton syndrome (NETH). Also called: ERYTHRODERMA, ICHTHYOSIFORM, WITH HYPOTRICHOSIS AND HYPER-IgE; COMEL-NETHERTON SYNDROME; NETHERTON DISEASE. Identifiers: Orphanet 634, MedGen C5574950, MONDO:0009735, OMIM 256500.

Allele frequency attached by ClinVar (database versions not stated): gnomAD 0.00003 and 0.00004; gnomAD exomes 0.00005 and 0.00008; TOPMed 0.00005; ExAC 0.00008; 1000 Genomes Project 30x 0.00016; 1000 Genomes Project 0.00020.
gnomAD v4.1: 77 of 1,613,666 alleles (0.0048%); highest among the groups gnomAD compares: East Asian, 0.1%; no homozygotes.

Submissions (2):

CeGaT Center for Human Genetics Tuebingen
Classification: Uncertain significance. Last evaluated: 2025-03-01. Review status: criteria provided, single submitter. Criteria: CeGaT Center For Human Genetics Tuebingen Variant Classification Criteria Version 2. Collection method: clinical testing. Allele origin: germline. Affected: yes. Observed: 1 variant allele.
Comment: SPINK5: PM2, BP4

Labcorp Genetics (formerly Invitae), Labcorp
Classification: Uncertain significance for Ichthyosis linearis circumflexa. Last evaluated: 2022-10-18. Review status: criteria provided, single submitter. Criteria: Invitae Variant Classification Sherloc (09022015). Collection method: clinical testing. Allele origin: germline.
Comment: This sequence change replaces arginine, which is basic and polar, with histidine, which is basic and polar, at codon 654 of the SPINK5 protein (p.Arg654His). This variant is present in population databases (rs182767534, gnomAD 0.09%). This missense change has been observed in individual(s) with atopic dermatitis (PMID: 29926005). ClinVar contains an entry for this variant (Variation ID: 1015216). Advanced modeling of protein sequence and biophysical properties (such as structural, functional, and spatial information, amino acid conservation, physicochemical variation, residue mobility, and thermodynamic stability) has been performed at Invitae for this missense variant, however the output from this modeling did not meet the statistical confidence thresholds required to predict the impact of this variant on SPINK5 protein function. In summary, the available evidence is currently insufficient to determine the role of this variant in disease. Therefore, it has been classified as a Variant of Uncertain Significance.

Literature cited by the submitters: PubMed 29926005 (cited by Labcorp Genetics (formerly Invitae), Labcorp).

NM_006846.4(SPINK5):c.1961G>A (p.Arg654His)

Gene: SPINK5 (serine peptidase inhibitor Kazal type 5; plus strand). Cytogenetic location: 5q32.
Variant type: single nucleotide variant.
Coding change: c.1961G>A on transcript NM_006846.4 (MANE Select); coding-DNA position 1961, G replaced by A.
Protein change: p.Arg654His; replaces arginine 654 with histidine.
Molecular consequence: missense variant.
Genome position (GRCh38, 1-based): chr5:148,114,435, G>A. VCF-style: chr5-148114435-G-A. GRCh37 (hg19) VCF-style: chr5-147493998-G-A.
Other names: c.1961G>A, p.Arg654His (NM_001127698.2, NM_001127699.2); short protein forms R654H.
Identifiers: ClinVar variation 1015216 (VCV001015216.13), dbSNP rs182767534, ClinGen allele CA3495806.
Genomic context (GRCh38, chr5:148,114,435, plus strand): 5'-AATTTCGGAGACTTTTGCAAAATGGAAAACTTTTCTGCACAAGAGAAAATGATCCTGTGC[G>A]TGGCCCAGATGGCAAGACCCATGGCAACAAGTGTGCCATGTGTAAGGCAGTCTTGTGAGT-3'
Protein context (NP_006837.2, residues 644-664): LFCTRENDPV[Arg654His]GPDGKTHGNK